The following is an entry in ClinVar:

ClinVar aggregate classification (germline): Conflicting classifications of pathogenicity. Review status: criteria provided, conflicting classifications (1 of 4 stars). 2 submissions from 2 submitters: Uncertain significance (1); Likely benign (1). Last evaluated 2025-10-07.

Conditions:
TRRAP-related disorder. Also called: TRRAP-related condition.

Allele frequency attached by ClinVar (database versions not stated): TOPMed 0.00010; gnomAD 0.00011; ESP Exome Variant Server 0.00015; ExAC 0.00021; gnomAD exomes 0.00022.
gnomAD v4.1: 334 of 1,614,088 alleles (0.021%); highest among the groups gnomAD compares: Non-Finnish European, 0.027%; no homozygotes.

Submissions (2):

Labcorp Genetics (formerly Invitae), Labcorp
Classification: Uncertain significance. Last evaluated: 2025-10-07. Review status: criteria provided, single submitter. Criteria: Invitae Variant Classification Sherloc (09022015). Collection method: clinical testing. Allele origin: germline.
Comment: This sequence change replaces methionine, which is neutral and non-polar, with leucine, which is neutral and non-polar, at codon 2742 of the TRRAP protein (p.Met2742Leu). This variant is present in population databases (rs368832264, gnomAD 0.03%), and has an allele count higher than expected for a pathogenic variant. This variant has not been reported in the literature in individuals affected with TRRAP-related conditions. ClinVar contains an entry for this variant (Variation ID: 2179620). Invitae Evidence Modeling of protein sequence and biophysical properties (such as structural, functional, and spatial information, amino acid conservation, physicochemical variation, residue mobility, and thermodynamic stability) indicates that this missense variant is not expected to disrupt TRRAP protein function with a negative predictive value of 80%. In summary, the available evidence is currently insufficient to determine the role of this variant in disease. Therefore, it has been classified as a Variant of Uncertain Significance.

PreventionGenetics, part of Exact Sciences
Classification: Likely benign for TRRAP-related condition. Last evaluated: 2024-12-08. Review status: criteria provided, single submitter. Criteria: ACMG Guidelines, 2015. Collection method: clinical testing. Allele origin: germline.
Comment: This variant is classified as likely benign based on ACMG/AMP sequence variant interpretation guidelines (Richards et al. 2015 PMID: 25741868, with internal and published modifications).

NM_001375524.1(TRRAP):c.8299A>T (p.Met2767Leu)

Gene: TRRAP (transformation/transcription domain associated protein; plus strand). Cytogenetic location: 7q22.1.
Variant type: single nucleotide variant.
Coding change: c.8299A>T on transcript NM_001375524.1 (MANE Select); coding-DNA position 8299, A replaced by T.
Protein change: p.Met2767Leu; replaces methionine 2767 with leucine.
Molecular consequence: missense variant.
Genome position (GRCh38, 1-based): chr7:98,976,990, A>T. VCF-style: chr7-98976990-A-T. GRCh37 (hg19) VCF-style: chr7-98574613-A-T.
Other names: c.8224A>T (NM_003496.3); c.8278A>T, p.Met2760Leu (NM_001244580.2); c.8224A>T, p.Met2742Leu (NM_003496.4); short protein forms M2760L, M2767L, M2742L.
Identifiers: ClinVar variation 2179620 (VCV002179620.5), dbSNP rs368832264, ClinGen allele CA4361401.
Genomic context (GRCh38, chr7:98,976,990, plus strand): 5'-TGTTTTCAGGAGATACTGGATTCCCTTGCGGAGCTTTACTCCCTGTTACAAGAGGAAGAT[A>T]TGTGGGCTGGTCTGTGGCAGAAGCGGTGCAAGTACTCGGAGACAGCGACTGCGATTGCTT-3'
Protein context (NP_001362453.1, residues 2757-2777): ELYSLLQEED[Met2767Leu]WAGLWQKRCK